The following is an entry in ClinVar:

ClinVar aggregate classification (germline): Uncertain significance (1 of 4 stars; one submission).

Conditions:
Familial adenomatous polyposis 1 (FAP1). Also called: FAMILIAL ADENOMATOUS POLYPOSIS 1, ATTENUATED; POLYPOSIS, ADENOMATOUS INTESTINAL. Identifiers: MedGen C2713442, MONDO:0021056, OMIM 175100. Disease mechanism: loss of function.

gnomAD v4.1: 12 of 1,129,104 alleles (0.0011%); highest among the groups gnomAD compares: Middle Eastern, 0.023%; no homozygotes.

Submission:

Labcorp Genetics (formerly Invitae), Labcorp
Classification: Uncertain significance for Familial adenomatous polyposis 1. Last evaluated: 2024-11-05. Review status: criteria provided, single submitter. Criteria: Invitae Variant Classification Sherloc (09022015). Collection method: clinical testing. Allele origin: germline.
Comment: This variant occurs in a non-coding region of the APC gene. It does not change the encoded amino acid sequence of the APC protein. This variant is not present in population databases (gnomAD no frequency). This variant has not been reported in the literature in individuals affected with APC-related conditions. ClinVar contains an entry for this variant (Variation ID: 469822). Experimental studies and prediction algorithms are not available or were not evaluated, and the functional significance of this variant is currently unknown. In summary, the available evidence is currently insufficient to determine the role of this variant in disease. Therefore, it has been classified as a Variant of Uncertain Significance.

NM_001127511.3(APC):c.-119G>A

Gene: APC (APC regulator of Wnt signaling pathway; plus strand). Cytogenetic location: 5q22.2.
Variant type: single nucleotide variant.
Coding change: c.-119G>A on transcript NM_001127511.3; 119 bases upstream of the start codon, G replaced by A.
Molecular consequence: 5 prime UTR variant. On other transcripts: non-coding transcript variant (2).
Genome position (GRCh38, 1-based): chr5:112,707,599, G>A. VCF-style: chr5-112707599-G-A. GRCh37 (hg19) VCF-style: chr5-112043296-G-A.
Other names: c.-302G>A (NM_001354895.2, NM_001407447.1, NM_001407452.1 and 3 more transcripts); c.-119G>A (NM_001354897.2, NM_001354902.2, NM_001407446.1); c.-69G>A (NM_001407448.1, NM_001407450.1, NM_001407457.1 and 1 more transcripts); c.-93G>A (NM_001407453.1); c.-1337G>A (NM_001407470.1, NM_001407472.1).
Identifiers: ClinVar variation 469822 (VCV000469822.9), dbSNP rs1460028540, ClinGen allele CA658655896.